The following is an entry in ClinVar:

NM_001042492.3(NF1):c.4699T>C (p.Ser1567Pro)

Gene: NF1 (neurofibromin 1; plus strand). Cytogenetic location: 17q11.2.
Variant type: single nucleotide variant.
Coding change: c.4699T>C on transcript NM_001042492.3 (MANE Select); coding-DNA position 4699, T replaced by C.
Protein change: p.Ser1567Pro; replaces serine 1567 with proline.
Molecular consequence: missense variant.
Genome position (GRCh38, 1-based): chr17:31,261,832, T>C. VCF-style: chr17-31261832-T-C. GRCh37 (hg19) VCF-style: chr17-29588850-T-C.
Other names: c.4636T>C, p.Ser1546Pro (NM_000267.4); short protein forms S1546P, S1567P.
Identifiers: ClinVar variation 4883330 (VCV004883330.2).
Genomic context (GRCh38, chr17:31,261,832, plus strand): 5'-GGTCCTCCAGAGCACAAACCTGTGGCAGATACACACTGGTCCAGCCTTAACCTTACCAGT[T>C]CAAAGTTTGAGGAATTTATGACTAGGTAAAGTACAACCTTGAAATAGTTGATTGCTTTCT-3'
Protein context (NP_001035957.1, residues 1557-1577): THWSSLNLTS[Ser1567Pro]KFEEFMTRHQ

ClinVar aggregate classification (germline): Uncertain significance (1 of 4 stars; one submission).

Conditions:
Neurofibromatosis, type 1 (NF1). Also called: VON RECKLINGHAUSEN DISEASE; NEUROFIBROMATOSIS, TYPE I, SOMATIC; Peripheral type neurofibromatosis; Neurofibromatosis, type I. Identifiers: Orphanet 636, MedGen C0027831, MONDO:0018975, OMIM 162200. Disease mechanism: loss of function.

Submission:

Dasa
Classification: Uncertain significance for neurofibromatosis type 1. Last evaluated: 2025-07-18. Review status: criteria provided, single submitter. Criteria: DASA Assertion Criteria. Collection method: clinical testing. Allele origin: germline.
Comment: NM_001042492.3(NF1):c.4699T>C (p.Ser1567Pro) is a missense variant that results in the substitution of serine with proline. This variant is absent from population databases. Computational prediction algorithms are consistent with a benign effect. The currently available literature and clinical evidence are not sufficient to establish a definitive association between this variant and the reported condition. Therefore, this variant is classified as a variant of uncertain significance.